The following is an entry in ClinVar:

ClinVar aggregate classification (germline): Uncertain significance. Review status: criteria provided, multiple submitters, no conflicts (2 of 4 stars). 2 submissions from 2 submitters: Uncertain significance (2). Last evaluated 2026-02-26.

Conditions:
SLC22A4-related disorder. Also called: SLC22A4-related condition.

Allele frequency attached by ClinVar (database versions not stated): TOPMed 0.00003; gnomAD 0.00004; gnomAD exomes 0.00007; ExAC 0.00008; ESP Exome Variant Server 0.00015.
gnomAD v4.1: 109 of 1,613,862 alleles (0.0068%); highest among the groups gnomAD compares: Non-Finnish European, 0.0082%; no homozygotes.

Submissions (2):

PreventionGenetics, part of Exact Sciences
Classification: Uncertain significance for SLC22A4-related condition. Last evaluated: 2026-02-26. Review status: criteria provided, single submitter. Criteria: ACMG Guidelines, 2015. Collection method: clinical testing. Allele origin: germline.
Comment: The SLC22A4 c.451G>A variant is predicted to result in the amino acid substitution p.Val151Ile. To our knowledge, this variant has not been reported in the literature. This variant is reported in 0.0088% of alleles in individuals of European (Non-Finnish) descent in gnomAD. At this time, the clinical significance of this variant is uncertain due to the absence of conclusive functional and genetic evidence.

Labcorp Genetics (formerly Invitae), Labcorp
Classification: Uncertain significance. Last evaluated: 2025-12-28. Review status: criteria provided, single submitter. Criteria: Invitae Variant Classification Sherloc (09022015). Collection method: clinical testing. Allele origin: germline.
Comment: This sequence change replaces valine, which is neutral and non-polar, with isoleucine, which is neutral and non-polar, at codon 151 of the SLC22A4 protein (p.Val151Ile). This variant is present in population databases (rs375482214, gnomAD 0.009%). This variant has not been reported in the literature in individuals affected with SLC22A4-related conditions. ClinVar contains an entry for this variant (Variation ID: 2172061). Invitae Evidence Modeling of protein sequence and biophysical properties (such as structural, functional, and spatial information, amino acid conservation, physicochemical variation, residue mobility, and thermodynamic stability) indicates that this missense variant is not expected to disrupt SLC22A4 protein function with a negative predictive value of 80%. In summary, the available evidence is currently insufficient to determine the role of this variant in disease. Therefore, it has been classified as a Variant of Uncertain Significance.

NM_003059.3(SLC22A4):c.451G>A (p.Val151Ile)

Genes: MIR3936HG (MIR3936 host gene; minus strand), SLC22A4 (solute carrier family 22 member 4; plus strand). Cytogenetic location: 5q31.1.
Variant type: single nucleotide variant.
Coding change: c.451G>A on transcript NM_003059.3 (MANE Select); coding-DNA position 451, G replaced by A.
Protein change: p.Val151Ile; replaces valine 151 with isoleucine.
Molecular consequence: missense variant. On other transcripts: non-coding transcript variant (1).
Genome position (GRCh38, 1-based): chr5:132,312,218, G>A. VCF-style: chr5-132312218-G-A. GRCh37 (hg19) VCF-style: chr5-131647911-G-A.
Other names: c.451G>A (NM_003059.2); short protein forms V151I.
Identifiers: ClinVar variation 2172061 (VCV002172061.5), dbSNP rs375482214, ClinGen allele CA3403398.